The following is an entry in ClinVar:

NM_000222.3(KIT):c.2644A>G (p.Met882Val)

Gene: KIT (KIT proto-oncogene, receptor tyrosine kinase; plus strand). Cytogenetic location: 4q12.
Variant type: single nucleotide variant.
Coding change: c.2644A>G on transcript NM_000222.3 (MANE Select); coding-DNA position 2644, A replaced by G.
Protein change: p.Met882Val; replaces methionine 882 with valine.
Molecular consequence: missense variant.
Genome position (GRCh38, 1-based): chr4:54,736,768, A>G. VCF-style: chr4-54736768-A-G. GRCh37 (hg19) VCF-style: chr4-55602934-A-G.
Other names: c.2632A>G, p.Met878Val (NM_001093772.2, NM_001385292.1); c.2647A>G, p.Met883Val (NM_001385284.1); c.2641A>G, p.Met881Val (NM_001385285.1); c.2629A>G, p.Met877Val (NM_001385286.1); c.2635A>G, p.Met879Val (NM_001385288.1); c.2644A>G, p.Met882Val (NM_001385290.1); short protein forms M878V, M882V, M877V, M879V, M881V, M883V.
Identifiers: ClinVar variation 837013 (VCV000837013.11), dbSNP rs1560424920, ClinGen allele CA356913867.

ClinVar aggregate classification (germline): Uncertain significance. Review status: criteria provided, multiple submitters, no conflicts (2 of 4 stars). 2 submissions from 2 submitters: Uncertain significance (2). Last evaluated 2026-07-07.

Conditions:
Gastrointestinal stromal tumor. Also called: Gastrointestinal stroma tumor; Gastrointestinal stromal tumor, somatic. Identifiers: Orphanet 44890, MedGen C0238198, MeSH D046152, MONDO:0011719, OMIM 606764, HP:0100723.
Hereditary cancer-predisposing syndrome. Also called: Tumor predisposition; Hereditary neoplastic syndrome; Neoplastic Syndromes, Hereditary; Hereditary Cancer Syndrome. Identifiers: Orphanet 140162, MedGen C0027672, MeSH D009386, MONDO:0015356.

Submissions (2):

Ambry Genetics
Classification: Uncertain significance for Hereditary cancer-predisposing syndrome. Last evaluated: 2026-07-07. Review status: criteria provided, single submitter. Criteria: Ambry Variant Classification Scheme 2023. Collection method: clinical testing. Allele origin: germline.
Comment: The p.M882V variant (also known as c.2644A>G), located in coding exon 19 of the KIT gene, results from an A to G substitution at nucleotide position 2644. The methionine at codon 882 is replaced by valine, an amino acid with highly similar properties. This amino acid position is conserved. In addition, the in silico prediction for this alteration is inconclusive. Based on the available evidence, the clinical significance of this variant remains unclear.

Labcorp Genetics (formerly Invitae), Labcorp
Classification: Uncertain significance for Gastrointestinal stromal tumor. Last evaluated: 2019-02-17. Review status: criteria provided, single submitter. Criteria: Invitae Variant Classification Sherloc (09022015). Collection method: clinical testing. Allele origin: germline.
Comment: This sequence change replaces methionine with valine at codon 882 of the KIT protein (p.Met882Val). The methionine residue is highly conserved and there is a small physicochemical difference between methionine and valine. In summary, the available evidence is currently insufficient to determine the role of this variant in disease. Therefore, it has been classified as a Variant of Uncertain Significance. Algorithms developed to predict the effect of sequence changes on RNA splicing suggest that this variant may create or strengthen a splice site, but this prediction has not been confirmed by published transcriptional studies. Algorithms developed to predict the effect of missense changes on protein structure and function are either unavailable or do not agree on the potential impact of this missense change (SIFT: "Deleterious"; PolyPhen-2: "Probably Damaging"; Align-GVGD: "Class C15"). This variant has not been reported in the literature in individuals with KIT-related conditions. This variant is not present in population databases (ExAC no frequency).